The following is an entry in ClinVar:

NM_000375.3(UROS):c.50A>G (p.Asp17Gly)

Gene: UROS (uroporphyrinogen III synthase; minus strand). Cytogenetic location: 10q26.2.
Variant type: single nucleotide variant.
Coding change: c.50A>G on transcript NM_000375.3 (MANE Select); coding-DNA position 50, A replaced by G.
Protein change: p.Asp17Gly; replaces aspartic acid 17 with glycine.
Molecular consequence: missense variant. On other transcripts: non-coding transcript variant (3).
Genome position (GRCh38, 1-based): chr10:125,816,450, T>C on the plus strand (A>G on the coding strand, the complement: UROS is on the minus strand). VCF-style: chr10-125816450-T-C. GRCh37 (hg19) VCF-style: chr10-127505019-T-C.
Other names: c.50A>G, p.Asp17Gly (NM_001324036.2, NM_001324037.2, NM_001324038.2 and 1 more transcripts); short protein forms D17G.
Identifiers: ClinVar variation 1510621 (VCV001510621.6), dbSNP rs1298784606, ClinGen allele CA378662503.

ClinVar aggregate classification (germline): Uncertain significance (1 of 4 stars; one submission).

Allele frequency attached by ClinVar (database versions not stated): TOPMed 0.00001.

Submission:

Labcorp Genetics (formerly Invitae), Labcorp
Classification: Uncertain significance. Last evaluated: 2021-10-29. Review status: criteria provided, single submitter. Criteria: Invitae Variant Classification Sherloc (09022015). Collection method: clinical testing. Allele origin: germline.
Comment: Algorithms developed to predict the effect of sequence changes on RNA splicing suggest that this variant may create or strengthen a splice site. In summary, the available evidence is currently insufficient to determine the role of this variant in disease. Therefore, it has been classified as a Variant of Uncertain Significance. Algorithms developed to predict the effect of missense changes on protein structure and function are either unavailable or do not agree on the potential impact of this missense change (SIFT: "Deleterious"; PolyPhen-2: "Probably Damaging"; Align-GVGD: "Class C0"). This missense change has been observed in individual(s) with clinical features of porphyria (PMID: 30454868). This variant is not present in population databases (gnomAD no frequency). This sequence change replaces aspartic acid, which is acidic and polar, with glycine, which is neutral and non-polar, at codon 17 of the UROS protein (p.Asp17Gly).

Literature cited by the submitters: PubMed 30454868.